The following is an entry in ClinVar:

ClinVar aggregate classification (germline): Uncertain significance (1 of 4 stars; one submission).

Conditions:
Early-infantile DEE. Also called: Early infantile epileptic encephalopathy; Ohtahara syndrome; Early infantile epileptic encephalopathy with suppression bursts. Identifiers: Orphanet 1934, MedGen C0393706, MONDO:0800491.

Submission:

Labcorp Genetics (formerly Invitae), Labcorp
Classification: Uncertain significance for Early-infantile DEE. Last evaluated: 2024-05-15. Review status: criteria provided, single submitter. Criteria: Invitae Variant Classification Sherloc (09022015). Collection method: clinical testing. Allele origin: germline.
Comment: This sequence change falls in intron 20 of the SCN1A gene. It does not directly change the encoded amino acid sequence of the SCN1A protein. However, this sequence change falls within a region encompassing a cryptic exon in the SCN1A gene, in which variants have been shown to alter splicing (PMID: 30526861, 34107977). This variant is not present in population databases (gnomAD no frequency). This variant has not been reported in the literature in individuals affected with SCN1A-related conditions. ClinVar contains an entry for this variant (Variation ID: 2121530). Algorithms developed to predict the effect of sequence changes on RNA splicing suggest that this variant is not likely to affect RNA splicing. In summary, the available evidence is currently insufficient to determine the role of this variant in disease. Therefore, it has been classified as a Variant of Uncertain Significance.

Literature cited by the submitters: PubMed 30526861; PubMed 34107977.

NM_001165963.4(SCN1A):c.4002+2532G>A

Genes: SCN1A (sodium voltage-gated channel alpha subunit 1; minus strand), LOC102724058 (uncharacterized LOC102724058; plus strand). Cytogenetic location: 2q24.3.
Variant type: single nucleotide variant.
Coding change: c.4002+2532G>A on transcript NM_001165963.4 (MANE Select); 2532 bases into the intron after coding-DNA position 4002, G replaced by A.
Molecular consequence: intron variant.
Genome position (GRCh38, 1-based): chr2:166,007,187, C>T on the plus strand (G>A on the coding strand, the complement: SCN1A is on the minus strand). VCF-style: chr2-166007187-C-T. GRCh37 (hg19) VCF-style: chr2-166863697-C-T.
Other names: c.3969+2532G>A (NM_001353949.2, NM_001353950.2, NM_001353951.2 and 2 more transcripts); c.3918+2532G>A (NM_001353958.2, NM_001353957.2, NM_001165964.3); c.4002+2532G>A (NM_001202435.3, NM_001353948.2); c.3966+2532G>A (NM_001353955.2, NM_001353954.2); c.3915+2532G>A (NM_001353960.2); c.1560+2532G>A (NM_001353961.2).
Identifiers: ClinVar variation 2121530 (VCV002121530.4), dbSNP rs2105546806, ClinGen allele CA2580064261.